The following is an entry in ClinVar:

NM_001037.5(SCN1B):c.448+129G>T

Gene: SCN1B (sodium voltage-gated channel beta subunit 1; plus strand). Cytogenetic location: 19q13.11.
Variant type: single nucleotide variant.
Coding change: c.448+129G>T on transcript NM_001037.5 (MANE Select); 129 bases into the intron after coding-DNA position 448, G replaced by T.
Molecular consequence: intron variant. On other transcripts: nonsense (1).
Genome position (GRCh38, 1-based): chr19:35,033,868, G>T. VCF-style: chr19-35033868-G-T. GRCh37 (hg19) VCF-style: chr19-35524772-G-T.
Other names: c.577G>T, p.Glu193Ter (NM_199037.5); c.349+129G>T (NM_001321605.2); short protein forms E193*.
Identifiers: ClinVar variation 403417 (VCV000403417.4), dbSNP rs1060499899, ClinGen allele CA16609778.

ClinVar aggregate classification (germline): Uncertain significance (1 of 4 stars; one submission).

Submission:

Laboratory for Molecular Medicine, Mass General Brigham Personalized Medicine
Classification: Uncertain significance. Last evaluated: 2016-10-20. Review status: criteria provided, single submitter. Criteria: LMM Criteria. Collection method: clinical testing. Allele origin: germline.
Comment: Variant identified in a genome or exome case(s) and assessed due to predicted null impact of the variant or pathogenic assertions in the literature or databases. Disclaimer: This variant has not undergone full assessment. The following are preliminary notes: Not previously reported. Nonsense in alternatively spliced exon. Variant falls within the last exon of this alternative transcript, so the truncated transcript is likely to escape NMD. This region of the gene is very poorly conserved